The following is an entry in ClinVar:

NC_000001.10:g.(?_179520308)_(183559464_?)dup

Genes: ACBD6 (acyl-CoA binding domain containing 6; minus strand), AXDND1 (axonemal dynein light chain domain containing 1; plus strand), CACNA1E (calcium voltage-gated channel subunit alpha1 E; plus strand), CEP350 (centrosomal protein 350; plus strand), DHX9 (DExH-box helicase 9; plus strand) and 26 more. Cytogenetic location: 1q25.2-25.3.
Variant type: Duplication.
Identifiers: ClinVar variation 1510700 (VCV001510700.5).

ClinVar aggregate classification (germline): Uncertain significance (1 of 4 stars; one submission).

Conditions:
Granulomatous disease, chronic, autosomal recessive, cytochrome b-positive, type 2. Also called: Chronic granulomatous disease due to deficiency of NCF-2; Chronic Granulomatous Disease, Autosomal Recessive, Cytochrome b-Positive, Type II; GRANULOMATOUS DISEASE, CHRONIC, AUTOSOMAL RECESSIVE, 2; CGD, AUTOSOMAL RECESSIVE CYTOCHROME b-POSITIVE, TYPE II; GRANULOMATOUS DISEASE, CHRONIC, DUE TO NCF2 DEFICIENCY. Identifiers: Orphanet 379, MedGen C1856245, MONDO:0009310, OMIM 233710.

Submission:

Labcorp Genetics (formerly Invitae), Labcorp
Classification: Uncertain significance for Granulomatous disease, chronic, autosomal recessive, cytochrome b-positive, type 2. Last evaluated: 2021-03-25. Review status: criteria provided, single submitter. Criteria: Invitae Variant Classification Sherloc (09022015). Collection method: clinical testing. Allele origin: germline.
Comment: A copy number gain of the genomic region encompassing the full coding sequence of the NCF2 gene has been identified. The boundaries of this event are unknown as they extend beyond the assayed region for this gene and therefore may encompass additional genes. As the precise location of this event is unknown, it may be in tandem or it may be located elsewhere in the genome. This variant has not been reported in the literature in individuals with NCF2-related conditions. Experimental studies and prediction algorithms are not available or were not evaluated, and the functional significance of this variant is currently unknown. In summary, the available evidence is currently insufficient to determine the role of this variant in disease. Therefore, it has been classified as a Variant of Uncertain Significance.